The following is an entry in ClinVar:

ClinVar aggregate classification (germline): Uncertain significance (1 of 4 stars; one submission).

Submission:

GeneDx
Classification: Uncertain significance. Last evaluated: 2026-01-26. Review status: criteria provided, single submitter. Criteria: GeneDx Variant Classification Process June 2021. Collection method: clinical testing. Allele origin: germline.
Comment: De novo variant with confirmed parentage; however, the reported clinical features are only partially consistent with the features typically observed in individuals with pathogenic variants in this gene; Not observed at significant frequency in large population cohorts (gnomAD); In silico analysis supports that this missense variant has a deleterious effect on protein structure/function; Has not been previously published as pathogenic or benign to our knowledge

NM_173495.3(PTCHD1):c.2489T>A (p.Ile830Lys)

Gene: PTCHD1 (patched domain containing 1; plus strand). Cytogenetic location: Xp22.11.
Variant type: single nucleotide variant.
Coding change: c.2489T>A on transcript NM_173495.3 (MANE Select); coding-DNA position 2489, T replaced by A.
Protein change: p.Ile830Lys; replaces isoleucine 830 with lysine.
Molecular consequence: missense variant.
Genome position (GRCh38, 1-based): chrX:23,394,007, T>A. VCF-style: chrX-23394007-T-A. GRCh37 (hg19) VCF-style: chrX-23412124-T-A.
Other names: short protein forms I830K.
Identifiers: ClinVar variation 1800727 (VCV001800727.2), dbSNP rs2518767741, ClinGen allele CA412588346.